The following is an entry in ClinVar:

NM_000540.3(RYR1):c.3058C>G (p.Leu1020Val)

Gene: RYR1 (ryanodine receptor 1; plus strand). Cytogenetic location: 19q13.2.
Variant type: single nucleotide variant.
Coding change: c.3058C>G on transcript NM_000540.3 (MANE Select); coding-DNA position 3058, C replaced by G.
Protein change: p.Leu1020Val; replaces leucine 1020 with valine.
Molecular consequence: missense variant.
Genome position (GRCh38, 1-based): chr19:38,466,278, C>G. VCF-style: chr19-38466278-C-G. GRCh37 (hg19) VCF-style: chr19-38956918-C-G.
Other names: c.3058C>G, p.Leu1020Val (NM_001042723.2); short protein forms L1020V.
Identifiers: ClinVar variation 2975044 (VCV002975044.4), dbSNP rs750787145, ClinGen allele CA064361.
Genomic context (GRCh38, chr19:38,466,278, plus strand): 5'-GTGGGCCAGGGCTGGAGCTACAGCGCAGTGCAGGACATCCCAGCGCGCCGAAACCCTCGG[C>G]TGGTGCCCTACCGCCTGCTGGATGAAGCCACCAAGCGCAGCAACCGGGACAGCCTCTGCC-3'
Protein context (NP_000531.2, residues 1010-1030): QDIPARRNPR[Leu1020Val]VPYRLLDEAT

ClinVar aggregate classification (germline): Uncertain significance. Review status: criteria provided, multiple submitters, no conflicts (2 of 4 stars). 2 submissions from 2 submitters: Uncertain significance (2). Last evaluated 2025-06-18.

Conditions:
Inborn genetic diseases. Identifiers: MedGen C0950123, MeSH D030342.
RYR1-related disorder. Also called: RYR1-related condition; RYR1-related disorders. Identifiers: MedGen CN239331.

Allele frequency attached by ClinVar (database versions not stated): gnomAD exomes below 0.00001; ExAC 0.00001.
gnomAD v4.1: 1 of 1,612,798 alleles (0.000062%); highest among the groups gnomAD compares: South Asian, 0.0011%; no homozygotes.

Submissions (2):

Ambry Genetics
Classification: Uncertain significance for Inborn genetic diseases. Last evaluated: 2025-06-18. Review status: criteria provided, single submitter. Criteria: Ambry Variant Classification Scheme 2023. Collection method: clinical testing. Allele origin: germline.

Labcorp Genetics (formerly Invitae), Labcorp
Classification: Uncertain significance for RYR1-related disorder. Last evaluated: 2024-04-15. Review status: criteria provided, single submitter. Criteria: Invitae Variant Classification Sherloc (09022015). Collection method: clinical testing. Allele origin: germline.
Comment: This sequence change replaces leucine, which is neutral and non-polar, with valine, which is neutral and non-polar, at codon 1020 of the RYR1 protein (p.Leu1020Val). This variant is present in population databases (rs750787145, gnomAD 0.003%). This variant has not been reported in the literature in individuals affected with RYR1-related conditions. Advanced modeling of protein sequence and biophysical properties (such as structural, functional, and spatial information, amino acid conservation, physicochemical variation, residue mobility, and thermodynamic stability) performed at Invitae indicates that this missense variant is expected to disrupt RYR1 protein function with a positive predictive value of 95%. In summary, the available evidence is currently insufficient to determine the role of this variant in disease. Therefore, it has been classified as a Variant of Uncertain Significance.